The following is an entry in ClinVar:

ClinVar aggregate classification (germline): Conflicting classifications of pathogenicity. Review status: criteria provided, conflicting classifications (1 of 4 stars). 2 submissions from 2 submitters: Pathogenic (1); Uncertain significance (1). Last evaluated 2023-09-29.

Allele frequency attached by ClinVar (database versions not stated): gnomAD exomes below 0.00001; TOPMed 0.00002.

Submissions (2):

GeneDx
Classification: Pathogenic. Last evaluated: 2023-09-29. Review status: criteria provided, single submitter. Criteria: GeneDx Variant Classification Process June 2021. Collection method: clinical testing. Allele origin: germline. Affected: yes.
Comment: Initiation codon variant in a gene for which loss of function is a known mechanism of disease; Not observed at significant frequency in large population cohorts (gnomAD); This variant is associated with the following publications: (PMID: 32385972)

Eurofins Ntd Llc (ga)
Classification: Uncertain significance. Last evaluated: 2014-06-24. Review status: criteria provided, single submitter. Criteria: EGL Classification Definitions 2015. Collection method: clinical testing. Allele origin: germline. Observed: 1 variant allele, 1 heterozygote.

NM_017668.3(NDE1):c.1A>G (p.Met1Val)

Gene: NDE1 (nudE neurodevelopment protein 1; plus strand). Cytogenetic location: 16p13.11.
Variant type: single nucleotide variant.
Coding change: c.1A>G on transcript NM_017668.3 (MANE Select); coding-DNA position 1, A replaced by G.
Protein change: p.Met1Val; changes the start codon (methionine 1).
Molecular consequence: missense variant, initiator codon variant.
Genome position (GRCh38, 1-based): chr16:15,664,779, A>G. VCF-style: chr16-15664779-A-G. GRCh37 (hg19) VCF-style: chr16-15758636-A-G.
Other names: c.1A>G, p.Met1Val (NM_001143979.2); short protein forms M1V.
Identifiers: ClinVar variation 196316 (VCV000196316.10), dbSNP rs794727491, ClinGen allele CA243223.
Genomic context (GRCh38, chr16:15,664,779, plus strand): 5'-GAAACCTTCTCTCCTAGACACCATGCCACAAGGAGAGTGATCTCTTCCCCTGTTTTCACA[A>G]TGGAGGACTCCGGAAAGACTTTCAGCTCCGAGGAGGAAGAAGCTAACTATTGGAAAGATC-3'
Protein context (NP_060138.1, residues 1-11): [Met1Val]EDSGKTFSSE